The following is an entry in ClinVar:

NM_000530.8(MPZ):c.262T>A (p.Tyr88Asn)

Gene: MPZ (myelin protein zero; minus strand). Cytogenetic location: 1q23.3.
Variant type: single nucleotide variant.
Coding change: c.262T>A on transcript NM_000530.8 (MANE Select); coding-DNA position 262, T replaced by A.
Protein change: p.Tyr88Asn; replaces tyrosine 88 with asparagine.
Molecular consequence: missense variant.
Genome position (GRCh38, 1-based): chr1:161,306,894, A>T on the plus strand (T>A on the coding strand, the complement: MPZ is on the minus strand). VCF-style: chr1-161306894-A-T. GRCh37 (hg19) VCF-style: chr1-161276684-A-T.
Other names: c.262T>A, p.Tyr88Asn (NM_001315491.2); short protein forms Y88N.
Identifiers: ClinVar variation 2627448 (VCV002627448.1), dbSNP rs2526239035, ClinGen allele CA343349854.

ClinVar aggregate classification (germline): Uncertain significance (1 of 4 stars; one submission).

Conditions:
Charcot-Marie-Tooth disease type 1B. Also called: Charcot-Marie-Tooth disease, demyelinating, type 1b; Hereditary motor and sensory neuropathy 1B; CHARCOT-MARIE-TOOTH DISEASE, AUTOSOMAL DOMINANT, WITH FOCALLY FOLDED MYELIN SHEATHS, TYPE 1B; CHARCOT-MARIE-TOOTH DISEASE, SLOW NERVE CONDUCTION TYPE, LINKED TO DUFFY; CHARCOT-MARIE-TOOTH NEUROPATHY, TYPE 1B; HEREDITARY MOTOR AND SENSORY NEUROPATHY I. Identifiers: Orphanet 101082, MedGen C0270912, MONDO:0007307, OMIM 118200.

Submission:

Neuberg Centre For Genomic Medicine, NCGM
Classification: Uncertain significance for Charcot-Marie-Tooth disease type 1B. Review status: criteria provided, single submitter. Criteria: ACMG Guidelines, 2015. Collection method: clinical testing. Allele origin: germline. Inheritance: Autosomal dominant inheritance. Affected: yes.
Comment: The missense variant p.Y88N in MPZ (NM_000530.8) has not been reported previously as a pathogenic variant nor as a benign variant, to our knowledge. The p.Y88N variant is novel (not in any individuals) in gnomAD Exomes and is novel (not in any individuals) in 1000 Genomes. The p.Y88N missense variant is predicted to be damaging by both SIFT and PolyPhen2. The tyrosine residue at codon 88 of MPZ is conserved in all mammalian species. The nucleotide c.262 in MPZ is predicted conserved by GERP++ and PhyloP across 100 vertebrates. For these reasons, this variant has been classified as Uncertain Significance.